The following is an entry in ClinVar:

NM_004329.3(BMPR1A):c.1167-12del

Gene: BMPR1A (bone morphogenetic protein receptor type 1A; plus strand). Cytogenetic location: 10q23.2.
Variant type: Deletion.
Coding change: c.1167-12del on transcript NM_004329.3 (MANE Select); 12 bases into the intron before coding-DNA position 1167, one base deleted (C; older notation c.1167-12delC).
Molecular consequence: intron variant.
Genome position (GRCh38, 1-based): chr10:86,921,508, C deleted. VCF-style (leftmost placement, unchanged base first): chr10-86921507-TC-T. GRCh37 (hg19) VCF-style: chr10-88681264-TC-T.
Other names: c.1167-12delC (NM_004329.2).
Identifiers: ClinVar variation 420450 (VCV000420450.14), dbSNP rs763184992, ClinGen allele CA5585672.
Genomic context (GRCh38, chr10:86,921,507, plus strand): 5'-ATAGGACAAAAATACAAGATAAACTATTTTATTTTTGGCCCTCAACTTGGACCTTGGCTT[TC>T]TTTTGTTTCAGTGACACAAATGAAGTTGATGTGCCCTTGAATACCAGGGTGGGCACCAAA-3'

ClinVar aggregate classification (germline): Likely benign. Review status: criteria provided, multiple submitters, no conflicts (2 of 4 stars). 4 submissions from 4 submitters: Likely benign (4). Last evaluated 2025-10-10.

Conditions:
Juvenile polyposis syndrome (JPS). Identifiers: Orphanet 2929, MedGen C0345893, MONDO:0017380, OMIM 174900.

Allele frequency attached by ClinVar (database versions not stated): gnomAD exomes below 0.00001; ExAC 0.00001.

Submissions (4):

Labcorp Genetics (formerly Invitae), Labcorp
Classification: Likely benign for Juvenile polyposis syndrome. Last evaluated: 2025-10-10. Review status: criteria provided, single submitter. Criteria: Invitae Variant Classification Sherloc (09022015). Collection method: clinical testing. Allele origin: germline.

Myriad Genetics, Inc.
Classification: Likely benign for Juvenile polyposis syndrome. Last evaluated: 2024-08-07. Review status: criteria provided, single submitter. Criteria: Myriad Autosomal Dominant, Autosomal Recessive and X-Linked Classification Criteria (2023). Collection method: clinical testing. Allele origin: unknown.
Comment: This variant is considered likely benign. This variant is intronic and is not expected to impact mRNA splicing.

All of Us Research Program, National Institutes of Health
Classification: Likely benign for Juvenile polyposis syndrome. Last evaluated: 2023-10-23. Review status: criteria provided, single submitter. Criteria: ACMG Guidelines, 2015. Collection method: clinical testing. Allele origin: germline. Inheritance: Autosomal dominant inheritance. Observed: 1 variant allele, 1 heterozygote.
Comment: This study involves interpretation of variants in research participants for the purpose of population health screening. Participant phenotype was not available at the time of variant classification. Additional details can be found in publication PMID: 35346344, PMCID: PMC8962531

GeneDx
Classification: Likely benign. Last evaluated: 2022-01-18. Review status: criteria provided, single submitter. Criteria: GeneDx Variant Classification Process June 2021. Collection method: clinical testing. Allele origin: germline. Affected: yes.